The following is an entry in ClinVar:

NM_006231.4(POLE):c.4006-2A>C

Gene: POLE (DNA polymerase epsilon, catalytic subunit; minus strand). Cytogenetic location: 12q24.33.
Variant type: single nucleotide variant.
Coding change: c.4006-2A>C on transcript NM_006231.4 (MANE Select); the canonical splice acceptor site of the intron before coding-DNA position 4006, A replaced by C.
Molecular consequence: splice acceptor variant.
Genome position (GRCh38, 1-based): chr12:132,649,074, T>G on the plus strand (A>C on the coding strand, the complement: POLE is on the minus strand). VCF-style: chr12-132649074-T-G. GRCh37 (hg19) VCF-style: chr12-133225660-T-G.
Identifiers: ClinVar variation 1736967 (VCV001736967.6), dbSNP rs1593748950, ClinGen allele CA387384058.

ClinVar aggregate classification (germline): Conflicting classifications of pathogenicity. Review status: criteria provided, conflicting classifications (1 of 4 stars). 2 submissions from 2 submitters: Likely pathogenic (1); Uncertain significance (1). Last evaluated 2026-02-05.

Conditions:
Hereditary cancer-predisposing syndrome. Also called: Tumor predisposition; Hereditary Cancer Syndrome; Hereditary neoplastic syndrome; Neoplastic Syndromes, Hereditary. Identifiers: Orphanet 140162, MedGen C0027672, MeSH D009386, MONDO:0015356.

Submissions (2):

Ambry Genetics
Classification: Uncertain significance for Hereditary cancer-predisposing syndrome. Last evaluated: 2026-02-05. Review status: criteria provided, single submitter. Criteria: Ambry Variant Classification Scheme 2023. Collection method: clinical testing. Allele origin: germline.
Comment: The c.4006-2A>C intronic variant results from an A to C substitution two nucleotides upstream from coding exon 32 in the POLE gene. Variants that disrupt the canonical splice site are expected to result in aberrant splicing. In silico splice site analysis predicts that this alteration will weaken the native splice acceptor site and may result in the creation or strengthening of a novel splice acceptor site. A resulting transcript is predicted to be in-frame and is not expected to trigger nonsense-mediated mRNAdecay; although, direct evidence is unavailable. This nucleotide position is highly conserved in available vertebrate species. Based on the available evidence, the clinical significance of this variant remains unclear.

Labcorp Genetics (formerly Invitae), Labcorp
Classification: Likely pathogenic. Last evaluated: 2024-04-29. Review status: criteria provided, single submitter. Criteria: Invitae Variant Classification Sherloc (09022015). Collection method: clinical testing. Allele origin: germline.
Comment: This sequence change affects an acceptor splice site in intron 31 of the POLE gene. It is expected to disrupt RNA splicing. Variants that disrupt the donor or acceptor splice site typically lead to a loss of protein function (PMID: 16199547), and loss-of-function variants in POLE are known to be pathogenic (PMID: 23230001, 25948378, 30503519). This variant is not present in population databases (gnomAD no frequency). This variant has not been reported in the literature in individuals affected with POLE-related conditions. ClinVar contains an entry for this variant (Variation ID: 1736967). Algorithms developed to predict the effect of sequence changes on RNA splicing suggest that this variant may disrupt the consensus splice site. In summary, the currently available evidence indicates that the variant is pathogenic, but additional data are needed to prove that conclusively. Therefore, this variant has been classified as Likely Pathogenic.

Literature cited by the submitters: PubMed 16199547 (cited by Labcorp Genetics (formerly Invitae), Labcorp); PubMed 23230001 (cited by Labcorp Genetics (formerly Invitae), Labcorp); PubMed 25948378 (cited by Labcorp Genetics (formerly Invitae), Labcorp); PubMed 30503519 (cited by Labcorp Genetics (formerly Invitae), Labcorp).